The following is an entry in ClinVar:

ClinVar aggregate classification (germline): Uncertain significance (1 of 4 stars; one submission).

Submission:

Labcorp Genetics (formerly Invitae), Labcorp
Classification: Uncertain significance. Last evaluated: 2023-10-09. Review status: criteria provided, single submitter. Criteria: Invitae Variant Classification Sherloc (09022015). Collection method: clinical testing. Allele origin: germline.
Comment: This sequence change creates a premature translational stop signal (p.Arg75Alafs*6) in the SAMD9 gene. While this is not anticipated to result in nonsense mediated decay, it is expected to disrupt the last 1515 amino acid(s) of the SAMD9 protein. This variant is not present in population databases (gnomAD no frequency). This variant has not been reported in the literature in individuals affected with SAMD9-related conditions. In summary, the available evidence is currently insufficient to determine the role of this variant in disease. Therefore, it has been classified as a Variant of Uncertain Significance.

NM_017654.4(SAMD9):c.222dup (p.Arg75fs)

Gene: SAMD9 (sterile alpha motif domain containing 9; minus strand). Cytogenetic location: 7q21.2.
Variant type: Duplication.
Coding change: c.222dup on transcript NM_017654.4 (MANE Select); coding-DNA position 222, one base duplicated (G; older notation c.222dupG).
Protein change: p.Arg75fs; shifts the reading frame from arginine 75.
Molecular consequence: frameshift variant.
Genome position (GRCh38, 1-based): chr7:93,105,876, C duplicated on the plus strand (G on the coding strand, the reverse complement: SAMD9 is on the minus strand). VCF-style (leftmost placement, unchanged base first): chr7-93105875-G-GC. GRCh37 (hg19) VCF-style: chr7-92735188-G-GC.
Other names: c.222dup, p.Arg75fs (NM_001193307.2); short protein forms R75fs.
Identifiers: ClinVar variation 2762062 (VCV002762062.3), dbSNP rs2535363996, ClinGen allele CA2697557386.